The following is an entry in ClinVar:

NM_015662.3(IFT172):c.790C>T (p.Arg264Trp)

Gene: IFT172 (intraflagellar transport 172; minus strand). Cytogenetic location: 2p23.3.
Variant type: single nucleotide variant.
Coding change: c.790C>T on transcript NM_015662.3 (MANE Select); coding-DNA position 790, C replaced by T.
Protein change: p.Arg264Trp; replaces arginine 264 with tryptophan.
Molecular consequence: missense variant.
Genome position (GRCh38, 1-based): chr2:27,480,145, G>A on the plus strand (C>T on the coding strand, the complement: IFT172 is on the minus strand). VCF-style: chr2-27480145-G-A. GRCh37 (hg19) VCF-style: chr2-27703012-G-A.
Other names: short protein forms R264W.
Identifiers: ClinVar variation 1025937 (VCV001025937.8), dbSNP rs750783565, ClinGen allele CA1580856.
Genomic context (GRCh38, chr2:27,480,145, plus strand): 5'-TAATCTCCTTGGGCTTTGCCTCTTCCCAGATGCTTCTTCGAGGGATCCAGTTGAACACCC[G>A]AAGCCTGAAATAAAGTATGTGGCTTTTAGAAGAGATTGAGGCTGAGCTAAAGAGTGCAAA-3'
Protein context (NP_056477.1, residues 254-274): SVVLGSYDRL[Arg264Trp]VFNWIPRRSI

ClinVar aggregate classification (germline): Uncertain significance. Review status: criteria provided, multiple submitters, no conflicts (2 of 4 stars). 2 submissions from 2 submitters: Uncertain significance (2). Last evaluated 2024-11-05.

Conditions:
Short-rib thoracic dysplasia 10 with or without polydactyly (SRTD10). Identifiers: Orphanet 474, MedGen C3810175, MONDO:0014284, OMIM 615630.
Retinitis pigmentosa 71 (RP71). Identifiers: Orphanet 791, MedGen C4225342, MONDO:0014618, OMIM 616394.

Allele frequency attached by ClinVar (database versions not stated): ExAC 0.00001; gnomAD exomes 0.00001; TOPMed 0.00001.
gnomAD v4.1: 12 of 1,613,332 alleles (0.00074%); highest among the groups gnomAD compares: Admixed American, 0.0017%; no homozygotes.

Submissions (2):

Labcorp Genetics (formerly Invitae), Labcorp
Classification: Uncertain significance for Retinitis pigmentosa 71; Short-rib thoracic dysplasia 10 with or without polydactyly. Last evaluated: 2024-11-05. Review status: criteria provided, single submitter. Criteria: Invitae Variant Classification Sherloc (09022015). Collection method: clinical testing. Allele origin: germline.
Comment: This sequence change replaces arginine, which is basic and polar, with tryptophan, which is neutral and slightly polar, at codon 264 of the IFT172 protein (p.Arg264Trp). This variant is present in population databases (rs750783565, gnomAD 0.003%). This variant has not been reported in the literature in individuals affected with IFT172-related conditions. ClinVar contains an entry for this variant (Variation ID: 1025937). Invitae Evidence Modeling of protein sequence and biophysical properties (such as structural, functional, and spatial information, amino acid conservation, physicochemical variation, residue mobility, and thermodynamic stability) indicates that this missense variant is expected to disrupt IFT172 protein function with a positive predictive value of 95%. In summary, the available evidence is currently insufficient to determine the role of this variant in disease. Therefore, it has been classified as a Variant of Uncertain Significance.

GeneDx
Classification: Uncertain significance. Last evaluated: 2019-08-28. Review status: criteria provided, single submitter. Criteria: GeneDx Variant Classification Process June 2021. Collection method: clinical testing. Allele origin: germline. Affected: yes.
Comment: In silico analysis, which includes protein predictors and evolutionary conservation, supports a deleterious effect; Has not been previously published as pathogenic or benign to our knowledge